The following is an entry in ClinVar:

ClinVar aggregate classification (germline): Benign (1 of 4 stars; one submission).

Submission:

GeneDx
Classification: Benign. Last evaluated: 2018-06-14. Review status: criteria provided, single submitter. Criteria: GeneDx Variant Classification (06012015). Collection method: clinical testing. Allele origin: germline. Affected: yes.
Comment: This variant is considered likely benign or benign based on one or more of the following criteria: it is a conservative change, it occurs at a poorly conserved position in the protein, it is predicted to be benign by multiple in silico algorithms, and/or has population frequency not consistent with disease.

NM_006420.3(ARFGEF2):c.276+329del

Gene: ARFGEF2 (ARF guanine nucleotide exchange factor 2; plus strand). Cytogenetic location: 20q13.13.
Variant type: Deletion.
Coding change: c.276+329del on transcript NM_006420.3 (MANE Select); 329 bases into the intron after coding-DNA position 276, one base deleted (T; older notation c.276+329delT).
Molecular consequence: intron variant.
Genome position (GRCh38, 1-based): chr20:48,942,316, T deleted; the last of 6 consecutive T bases (chr20:48,942,311-48,942,316); deleting any one gives the same sequence. VCF-style (leftmost placement, unchanged base first): chr20-48942310-CT-C. GRCh37 (hg19) VCF-style: chr20-47558847-CT-C.
Identifiers: ClinVar variation 673283 (VCV000673283.1), dbSNP rs141662269, ClinGen allele CA315893802.
Genomic context (GRCh38, chr20:48,942,310, plus strand): 5'-CTTTAGCATTAATTGGAATATTTGACACACATGGGCACATAAGGCATTTTTATACAGCCT[CT>C]TTTTTATTTTTTCCATTTTGTAGAGATGCAGTCTTGCTATGTTGCCCAGGCTGGTCTTAC-3'